The following is an entry in ClinVar:

ClinVar aggregate classification (germline): Uncertain significance (1 of 4 stars; one submission).

Conditions:
CHD6-related neurodevelopmental disorder.

Submission:

3billion
Classification: Uncertain significance for CHD6-related neurodevelopmental disorder. Last evaluated: 2025-02-26. Review status: criteria provided, single submitter. Criteria: ACMG Guidelines, 2015. Collection method: clinical testing. Allele origin: germline. Affected: yes.
Comment: The variant is not observed in the gnomAD v4.1.0 dataset. Predicted Consequence/Location: Missense variant. Missense changes are a common disease-causing mechanism. Damaging effect on gene or gene product predicted by in silico programs is uncertain [REVEL: 0.54 (damaging >=0.6, benign <0.4)]. Therefore, this variant is classified as VUS according to the recommendation of ACMG/AMP guideline.

NM_032221.5(CHD6):c.4770A>T (p.Lys1590Asn)

Gene: CHD6 (chromodomain helicase DNA binding protein 6; minus strand). Cytogenetic location: 20q12.
Variant type: single nucleotide variant.
Coding change: c.4770A>T on transcript NM_032221.5 (MANE Select); coding-DNA position 4770, A replaced by T.
Protein change: p.Lys1590Asn; replaces lysine 1590 with asparagine.
Molecular consequence: missense variant.
Genome position (GRCh38, 1-based): chr20:41,421,865, T>A on the plus strand (A>T on the coding strand, the complement: CHD6 is on the minus strand). VCF-style: chr20-41421865-T-A. GRCh37 (hg19) VCF-style: chr20-40050505-T-A.
Other names: short protein forms K1590N.
Identifiers: ClinVar variation 4292284 (VCV004292284.1).
Genomic context (GRCh38, chr20:41,421,865, plus strand): 5'-ATCCAGGAAGGACAGCTGGGGGTCGTTCATGATGTAACAGTCAGTGCGGTTCAGCCCATG[T>A]TTGGCAGTGCCGATGAGCAGGTCTCGATCATGCTTCCCACACTCCCACCAGACTGGGAGG-3'
Protein context (NP_115597.3, residues 1580-1600): HDRDLLIGTA[Lys1590Asn]HGLNRTDCYI